The following is an entry in ClinVar:

ClinVar aggregate classification (germline): Likely benign (1 of 4 stars; one submission).

Submission:

CeGaT Center for Human Genetics Tuebingen
Classification: Likely benign. Last evaluated: 2024-06-01. Review status: criteria provided, single submitter. Criteria: CeGaT Center For Human Genetics Tuebingen Variant Classification Criteria Version 2. Collection method: clinical testing. Allele origin: germline. Affected: yes. Observed: 1 variant allele.
Comment: KRT2: PM2, BS2

NM_000423.3(KRT2):c.874G>A (p.Ala292Thr)

Gene: KRT2 (keratin 2; minus strand). Cytogenetic location: 12q13.13.
Variant type: single nucleotide variant.
Coding change: c.874G>A on transcript NM_000423.3 (MANE Select); coding-DNA position 874, G replaced by A.
Protein change: p.Ala292Thr; replaces alanine 292 with threonine.
Molecular consequence: missense variant.
Genome position (GRCh38, 1-based): chr12:52,649,090, C>T on the plus strand (G>A on the coding strand, the complement: KRT2 is on the minus strand). VCF-style: chr12-52649090-C-T. GRCh37 (hg19) VCF-style: chr12-53042874-C-T.
Other names: short protein forms A292T.
Identifiers: ClinVar variation 3251228 (VCV003251228.18), dbSNP rs367546338.